The following is an entry in ClinVar:

ClinVar aggregate classification (germline): Uncertain significance (1 of 4 stars; one submission).

Conditions:
Hypertrophic cardiomyopathy 14. Identifiers: MedGen C2750467, MONDO:0013197, OMIM 613251.
Dilated cardiomyopathy 1EE (CMD1EE). Identifiers: Orphanet 154, MedGen C2750466, MONDO:0013198, OMIM 613252.
Atrial septal defect 3 (ASD3). Identifiers: Orphanet 1478, MedGen C3279790, MONDO:0013567, OMIM 614089.
Sick sinus syndrome 3, susceptibility to (SSS3). Identifiers: Orphanet 166282, MedGen C3279791, MONDO:0013568, OMIM 614090.

Submission:

Juno Genomics, Hangzhou Juno Genomics, Inc
Classification: Uncertain significance for Atrial septal defect 3; Sick sinus syndrome 3, susceptibility to; Dilated cardiomyopathy 1EE; Hypertrophic cardiomyopathy 14. Review status: criteria provided, single submitter. Criteria: ACMG Guidelines, 2015. Collection method: clinical testing. Allele origin: germline.
Comment: Absent from controls (or at extremely low frequency if recessive) in Genome Aggregation Database.;Missense variant in a gene that has a low rate of benign missense variation.;Multiple lines of computational evidence support a deleterious effect on the gene or gene product.

NM_002471.4(MYH6):c.1864T>G (p.Phe622Val)

Gene: MYH6 (myosin heavy chain 6; minus strand). Cytogenetic location: 14q11.2.
Variant type: single nucleotide variant.
Coding change: c.1864T>G on transcript NM_002471.4 (MANE Select); coding-DNA position 1864, T replaced by G.
Protein change: p.Phe622Val; replaces phenylalanine 622 with valine.
Molecular consequence: missense variant.
Genome position (GRCh38, 1-based): chr14:23,398,755, A>C on the plus strand (T>G on the coding strand, the complement: MYH6 is on the minus strand). VCF-style: chr14-23398755-A-C. GRCh37 (hg19) VCF-style: chr14-23867964-A-C.
Other names: short protein forms F622V.
Identifiers: ClinVar variation 5005310 (VCV005005310.2).
Genomic context (GRCh38, chr14:23,398,755, plus strand): 5'-TCCCCTGGCCCAGTGCAGGGGCTGCCTGCTTACCAGTATCGGCAGTTGCGTAGGAGGAGA[A>C]GAGAGTGGCCATGAGCTTGAGGGAGGACTTCTGGTACAGGGCCACAACAGTCTCGTTGAG-3'
Protein context (NP_002462.2, residues 612-632): KSSLKLMATL[Phe622Val]SSYATADTGD